The following is an entry in ClinVar:

NM_000548.5(TSC2):c.4132C>T (p.Pro1378Ser)

Gene: TSC2 (TSC complex subunit 2; plus strand). Cytogenetic location: 16p13.3.
Variant type: single nucleotide variant.
Coding change: c.4132C>T on transcript NM_000548.5 (MANE Select); coding-DNA position 4132, C replaced by T.
Protein change: p.Pro1378Ser; replaces proline 1378 with serine.
Molecular consequence: missense variant.
Genome position (GRCh38, 1-based): chr16:2,084,354, C>T. VCF-style: chr16-2084354-C-T. GRCh37 (hg19) VCF-style: chr16-2134355-C-T.
Other names: c.3931C>T, p.Pro1311Ser (NM_001077183.3); c.4063C>T, p.Pro1355Ser (NM_001114382.3); c.3823C>T, p.Pro1275Ser (NM_001318827.2); c.3787C>T, p.Pro1263Ser (NM_001318829.2); c.3400C>T, p.Pro1134Ser (NM_001318831.2); c.3964C>T, p.Pro1322Ser (NM_001318832.2); c.3934C>T, p.Pro1312Ser (NM_001363528.2); c.4000C>T, p.Pro1334Ser (NM_001370404.1); and 1 more; short protein forms P1263S, P1312S, P1322S, P1355S, P1378S, P1134S, P1311S, P1335S.
Identifiers: ClinVar variation 840263 (VCV000840263.10), dbSNP rs1060500921, ClinGen allele CA394299603.

ClinVar aggregate classification (germline): Uncertain significance. Review status: criteria provided, multiple submitters, no conflicts (2 of 4 stars). 2 submissions from 2 submitters: Uncertain significance (2). Last evaluated 2026-05-02.

Conditions:
Hereditary cancer-predisposing syndrome. Also called: Tumor predisposition; Neoplastic Syndromes, Hereditary; Hereditary neoplastic syndrome; Hereditary Cancer Syndrome. Identifiers: Orphanet 140162, MedGen C0027672, MeSH D009386, MONDO:0015356.
Tuberous sclerosis 2 (TSC2). Identifiers: Orphanet 805, MedGen C1860707, MONDO:0013199, OMIM 613254.

Submissions (2):

Ambry Genetics
Classification: Uncertain significance for Hereditary cancer-predisposing syndrome. Last evaluated: 2026-05-02. Review status: criteria provided, single submitter. Criteria: Ambry Variant Classification Scheme 2023. Collection method: clinical testing. Allele origin: germline.
Comment: The p.P1378S variant (also known as c.4132C>T), located in coding exon 33 of the TSC2 gene, results from a C to T substitution at nucleotide position 4132. The proline at codon 1378 is replaced by serine, an amino acid with similar properties. This amino acid position is conserved. In addition, the in silico prediction for this alteration is inconclusive. Based on the available evidence, the clinical significance of this variant remains unclear.

Labcorp Genetics (formerly Invitae), Labcorp
Classification: Uncertain significance for Tuberous sclerosis 2. Last evaluated: 2025-07-05. Review status: criteria provided, single submitter. Criteria: Invitae Variant Classification Sherloc (09022015). Collection method: clinical testing. Allele origin: germline.
Comment: This sequence change replaces proline, which is neutral and non-polar, with serine, which is neutral and polar, at codon 1378 of the TSC2 protein (p.Pro1378Ser). This variant is not present in population databases (gnomAD no frequency). This variant has not been reported in the literature in individuals affected with TSC2-related conditions. ClinVar contains an entry for this variant (Variation ID: 840263). Invitae Evidence Modeling of protein sequence and biophysical properties (such as structural, functional, and spatial information, amino acid conservation, physicochemical variation, residue mobility, and thermodynamic stability) indicates that this missense variant is not expected to disrupt TSC2 protein function with a negative predictive value of 95%. In summary, the available evidence is currently insufficient to determine the role of this variant in disease. Therefore, it has been classified as a Variant of Uncertain Significance.